The following is an entry in ClinVar:

NM_181552.4(CUX1):c.437T>A (p.Ile146Asn)

Gene: CUX1 (cut like homeobox 1; plus strand). Cytogenetic location: 7q22.1.
Variant type: single nucleotide variant.
Coding change: c.437T>A on transcript NM_181552.4 (MANE Select); coding-DNA position 437, T replaced by A.
Protein change: p.Ile146Asn; replaces isoleucine 146 with asparagine.
Molecular consequence: missense variant.
Genome position (GRCh38, 1-based): chr7:102,104,366, T>A. VCF-style: chr7-102104366-T-A. GRCh37 (hg19) VCF-style: chr7-101747646-T-A.
Other names: c.470T>A, p.Ile157Asn (NM_001202543.2, NM_001913.5, NM_181500.4); c.422T>A, p.Ile141Asn (NM_001202544.3); c.332T>A, p.Ile111Asn (NM_001202545.3); c.359T>A, p.Ile120Asn (NM_001202546.3); short protein forms I111N, I120N, I141N, I146N, I157N.
Identifiers: ClinVar variation 4527271 (VCV004527271.1).

ClinVar aggregate classification (germline): Uncertain significance (1 of 4 stars; one submission).

gnomAD v4.1: 1 of 1,608,776 alleles (0.000062%); highest among the groups gnomAD compares: African/African-American, 0.0013%; no homozygotes.

Submission:

GeneDx
Classification: Uncertain significance. Last evaluated: 2025-04-22. Review status: criteria provided, single submitter. Criteria: GeneDx Variant Classification Process June 2021. Collection method: clinical testing. Allele origin: germline. Affected: yes.
Comment: Not observed at significant frequency in large population cohorts (gnomAD); In silico analysis supports that this missense variant has a deleterious effect on protein structure/function; Has not been previously published as pathogenic or benign to our knowledge